The following is an entry in ClinVar:

NM_005918.4(MDH2):c.191T>G (p.Val64Gly)

Gene: MDH2 (malate dehydrogenase 2; plus strand). Cytogenetic location: 7q11.23.
Variant type: single nucleotide variant.
Coding change: c.191T>G on transcript NM_005918.4 (MANE Select); coding-DNA position 191, T replaced by G.
Protein change: p.Val64Gly; replaces valine 64 with glycine.
Molecular consequence: missense variant. On other transcripts: intron variant (1).
Genome position (GRCh38, 1-based): chr7:76,054,954, T>G. VCF-style: chr7-76054954-T-G. GRCh37 (hg19) VCF-style: chr7-75684272-T-G.
Other names: c.191T>G, p.Val64Gly (NM_001282403.2); c.-86-2456T>G (NM_001282404.2); short protein forms V64G.
Identifiers: ClinVar variation 1782654 (VCV001782654.2), dbSNP rs782339624, ClinGen allele CA367762594.

ClinVar aggregate classification (germline): Uncertain significance (1 of 4 stars; one submission).

Conditions:
Inborn genetic diseases. Identifiers: MedGen C0950123, MeSH D030342.

Submission:

Ambry Genetics
Classification: Uncertain significance for Inborn genetic diseases. Last evaluated: 2021-12-10. Review status: criteria provided, single submitter. Criteria: Ambry Variant Classification Scheme 2023. Collection method: clinical testing. Allele origin: germline.
Comment: The p.V64G variant (also known as c.191T>G), located in coding exon 2 of the MDH2 gene, results from a T to G substitution at nucleotide position 191. The valine at codon 64 is replaced by glycine, an amino acid with dissimilar properties. This amino acid position is conserved. In addition, this alteration is predicted to be deleterious by in silico analysis. Since supporting evidence is limited at this time, the clinical significance of this alteration remains unclear.